The following is an entry in ClinVar:

NM_020937.4(FANCM):c.5342A>T (p.Asp1781Val)

Gene: FANCM (FA complementation group M; plus strand). Cytogenetic location: 14q21.2.
Variant type: single nucleotide variant.
Coding change: c.5342A>T on transcript NM_020937.4 (MANE Select); coding-DNA position 5342, A replaced by T.
Protein change: p.Asp1781Val; replaces aspartic acid 1781 with valine.
Molecular consequence: missense variant.
Genome position (GRCh38, 1-based): chr14:45,196,173, A>T. VCF-style: chr14-45196173-A-T. GRCh37 (hg19) VCF-style: chr14-45665376-A-T.
Other names: c.5264A>T, p.Asp1755Val (NM_001308133.2); short protein forms D1755V, D1781V.
Identifiers: ClinVar variation 3907980 (VCV003907980.2).
Genomic context (GRCh38, chr14:45,196,173, plus strand): 5'-CGTTTATGGCATTTTTATGCATTTAACCTGAATGTGACCAGTGTTTTCCACTTTTTCAGG[A>T]TGGTAGTGCTTTGGAGGATTCTAGCACTTCAGGGGCATCCTGTTCCAAGTCAAGACCACA-3'
Protein context (NP_065988.1, residues 1771-1791): DCRKFPVPQK[Asp1781Val]GSALEDSSTS

ClinVar aggregate classification (germline): Conflicting classifications of pathogenicity. Review status: criteria provided, conflicting classifications (1 of 4 stars). 2 submissions from 2 submitters: Uncertain significance (1); Likely benign (1). Last evaluated 2025-04-01.

Conditions:
Inborn genetic diseases. Identifiers: MedGen C0950123, MeSH D030342.

gnomAD v4.1: 3 of 1,614,074 alleles (0.00019%); highest among the groups gnomAD compares: Middle Eastern, 0.049%; no homozygotes.

Submissions (2):

Ambry Genetics
Classification: Likely benign for Inborn genetic diseases. Last evaluated: 2025-04-01. Review status: criteria provided, single submitter. Criteria: Ambry Variant Classification Scheme 2023. Collection method: clinical testing. Allele origin: germline.

GeneDx
Classification: Uncertain significance. Last evaluated: 2024-12-26. Review status: criteria provided, single submitter. Criteria: GeneDx Variant Classification Process June 2021. Collection method: clinical testing. Allele origin: germline. Affected: yes.
Comment: Not observed at significant frequency in large population cohorts (gnomAD); In silico analysis indicates that this missense variant does not alter protein structure/function; Has not been previously published as pathogenic or benign to our knowledge